The following is an entry in ClinVar:

ClinVar aggregate classification (germline): Benign. Review status: criteria provided, multiple submitters, no conflicts (2 of 4 stars). 13 submissions from 10 submitters: Benign (10). 3 of the submissions do not count toward it. Last evaluated 2026-05-08.

Conditions:
Hearing loss, autosomal dominant 37. Also called: DEAFNESS, AUTOSOMAL DOMINANT 37. Identifiers: MedGen C4760307, MONDO:0032802, OMIM 618533.
Fibrochondrogenesis 1 (FBCG1). Identifiers: Orphanet 2021, MedGen C3278138, MONDO:0009226, OMIM 228520.
Marshall syndrome (MRSHS). Identifiers: Orphanet 560, MedGen C0265235, MONDO:0007949, OMIM 154780.
Stickler syndrome type 2 (STL2). Also called: STICKLER SYNDROME, BEADED VITREOUS TYPE; STICKLER SYNDROME, VITREOUS TYPE 2; STICKLER SYNDROME, TYPE II; COL11A1-Related Stickler Syndrome. Identifiers: Orphanet 828, Orphanet 90654, MedGen C1858084, MONDO:0011493, OMIM 604841.

Allele frequency attached by ClinVar (database versions not stated): ESP Exome Variant Server 0.55167; TOPMed 0.57185; gnomAD 0.57301 and 0.58729; 1000 Genomes Project 30x 0.61868; 1000 Genomes Project 0.62919; ExAC 0.69125; gnomAD exomes 0.69650.
gnomAD v4.1: 1,110,636 of 1,611,902 alleles (69%); highest among the groups gnomAD compares: East Asian, 92%; 392,228 homozygotes.

Submissions (13):

Women's Health and Genetics/Laboratory Corporation of America, LabCorp
Classification: Benign. Last evaluated: 2026-05-08. Review status: criteria provided, single submitter. Criteria: LabCorp Variant Classification Summary - May 2015. Collection method: clinical testing. Allele origin: germline.

Labcorp Genetics (formerly Invitae), Labcorp
Classification: Benign. Last evaluated: 2026-02-04. Review status: criteria provided, single submitter. Criteria: Invitae Variant Classification Sherloc (09022015). Collection method: clinical testing. Allele origin: germline.

Blueprint Genetics
Classification: Benign. Last evaluated: 2024-11-26. Review status: criteria provided, single submitter. Criteria: ACMG Guidelines, 2015. Collection method: clinical testing. Allele origin: germline.

Genome-Nilou Lab
Classification: Benign for Hearing loss, autosomal dominant 37. Last evaluated: 2021-07-22. Review status: criteria provided, single submitter. Criteria: ACMG Guidelines, 2015. Collection method: clinical testing. Allele origin: germline. Affected: no.

Genome-Nilou Lab
Classification: Benign for Fibrochondrogenesis 1. Last evaluated: 2021-07-22. Review status: criteria provided, single submitter. Criteria: ACMG Guidelines, 2015. Collection method: clinical testing. Allele origin: germline. Affected: no.

Genome-Nilou Lab
Classification: Benign for Marshall syndrome. Last evaluated: 2021-07-22. Review status: criteria provided, single submitter. Criteria: ACMG Guidelines, 2015. Collection method: clinical testing. Allele origin: germline. Affected: no.

Genome-Nilou Lab
Classification: Benign for Stickler syndrome type 2. Last evaluated: 2021-07-22. Review status: criteria provided, single submitter. Criteria: ACMG Guidelines, 2015. Collection method: clinical testing. Allele origin: germline. Affected: no.

GeneDx
Classification: Benign. Last evaluated: 2016-09-29. Review status: criteria provided, single submitter. Criteria: GeneDx Variant Classification (06012015). Collection method: clinical testing. Allele origin: germline. Affected: yes.
Comment: This variant is considered likely benign or benign based on one or more of the following criteria: it is a conservative change, it occurs at a poorly conserved position in the protein, it is predicted to be benign by multiple in silico algorithms, and/or has population frequency not consistent with disease.

Breakthrough Genomics
Classification: Benign. Review status: criteria provided, single submitter. Criteria: ACMG Guidelines, 2015. Collection method: not provided. Allele origin: germline. Inheritance: Autosomal recessive inheritance. Affected: yes.

PreventionGenetics, part of Exact Sciences
Classification: Benign. Review status: criteria provided, single submitter. Criteria: ACMG Guidelines, 2015. Collection method: clinical testing. Allele origin: germline.

Diagnostic Laboratory, Department of Genetics, University Medical Center Groningen
Classification: Benign. Review status: no assertion criteria provided. Collection method: clinical testing. Allele origin: germline. Affected: yes. Study: VKGL Data-share Consensus. Not counted in ClinVar's aggregate classification.

Genome Diagnostics Laboratory, Amsterdam University Medical Center
Classification: Benign. Review status: no assertion criteria provided. Collection method: clinical testing. Allele origin: germline. Affected: yes. Study: VKGL Data-share Consensus. Not counted in ClinVar's aggregate classification.

Joint Genome Diagnostic Labs from Nijmegen and Maastricht, Radboudumc and MUMC+
Classification: Benign. Review status: no assertion criteria provided. Collection method: clinical testing. Allele origin: germline. Affected: yes. Study: VKGL Data-share Consensus. Not counted in ClinVar's aggregate classification.

NM_001854.4(COL11A1):c.2611-19A>C

Gene: COL11A1 (collagen type XI alpha 1 chain; minus strand). Cytogenetic location: 1p21.1.
Variant type: single nucleotide variant.
Coding change: c.2611-19A>C on transcript NM_001854.4 (MANE Select); 19 bases into the intron before coding-DNA position 2611, A replaced by C.
Molecular consequence: intron variant.
Genome position (GRCh38, 1-based): chr1:102,979,123, T>G on the plus strand (A>C on the coding strand, the complement: COL11A1 is on the minus strand). VCF-style: chr1-102979123-T-G. GRCh37 (hg19) VCF-style: chr1-103444679-T-G.
Other names: c.2494-19A>C (NM_001190709.2); c.2647-19A>C (NM_080629.3); c.2263-19A>C (NM_080630.4).
Identifiers: ClinVar variation 258445 (VCV000258445.21), dbSNP rs11164649, ClinGen allele CA974356.